The following is an entry in ClinVar:

NM_001370466.1(NOD2):c.-8-7T>A

Gene: NOD2 (nucleotide binding oligomerization domain containing 2; plus strand). Cytogenetic location: 16q12.1.
Variant type: single nucleotide variant.
Coding change: c.-8-7T>A on transcript NM_001370466.1 (MANE Select); 7 bases into the intron before 8 bases upstream of the start codon, T replaced by A.
Molecular consequence: intron variant. On other transcripts: 5 prime UTR variant (1).
Genome position (GRCh38, 1-based): chr16:50,699,481, T>A. VCF-style: chr16-50699481-T-A. GRCh37 (hg19) VCF-style: chr16-50733392-T-A.
Other names: p.?; c.74-7T>A (LRG_177t1, NM_022162.3); c.-15T>A (NM_001293557.2).
Identifiers: ClinVar variation 97880 (VCV000097880.55), dbSNP rs104895421, ClinGen allele CA213421.
Genomic context (GRCh38, chr16:50,699,481, plus strand): 5'-GCCTTCCCTGACCACCCTGCATCTGGCTTCTGGAGAAGTCCCGCACTGACCTTGTTCTCC[T>A]CCCCAGGTTGTGAAATGTGCTCGCAGGAGGCTTTTCAGGCACAGAGGAGCCAGCTGGTCG-3'

ClinVar aggregate classification (germline): Conflicting classifications of pathogenicity. Review status: criteria provided, conflicting classifications (1 of 4 stars). 10 submissions from 9 submitters: Uncertain significance (1); Benign (2); Likely benign (6). 1 of the submissions does not count toward it. Last evaluated 2026-08-01.

Conditions:
Autoinflammatory syndrome. Identifiers: Orphanet 93665, MedGen C3890737, MONDO:0019751.
Blau syndrome (BLAUS). Also called: ARTHROCUTANEOUVEAL GRANULOMATOSIS; GRANULOMATOSIS, FAMILIAL JUVENILE SYSTEMIC; GRANULOMATOSIS, FAMILIAL, BLAU TYPE; GRANULOMATOUS INFLAMMATORY ARTHRITIS, DERMATITIS, AND UVEITIS, FAMILIAL; JABS SYNDROME. Identifiers: Orphanet 90340, MedGen C5201146, MONDO:0008523, OMIM 186580.
Regional enteritis. Also called: Enteritis, Granulomatous. Identifiers: MedGen C0678202, MeSH D003424.
Inflammatory bowel disease 1 (IBD1). Also called: Inflammatory bowel disease 1, Crohn disease; INFLAMMATORY BOWEL DISEASE (CROHN DISEASE) 1. Identifiers: MedGen CN260071, MONDO:0009960, OMIM 266600.

Allele frequency attached by ClinVar (database versions not stated): 1000 Genomes Project 30x 0.00047; 1000 Genomes Project 0.00060; gnomAD 0.00092; ESP Exome Variant Server 0.00131; gnomAD exomes 0.00136; TOPMed 0.00173.
gnomAD v4.1: 2,326 of 1,612,234 alleles (0.14%); highest among the groups gnomAD compares: Middle Eastern, 1.7%; 18 homozygotes.

Submissions (11):

CeGaT Center for Human Genetics Tuebingen
Classification: Likely benign. Last evaluated: 2026-08-01. Review status: criteria provided, single submitter. Criteria: CeGaT Center For Human Genetics Tuebingen Variant Classification Criteria Version 2. Collection method: clinical testing. Allele origin: germline. Affected: yes. Observed: 10 variant alleles.
Comment: NOD2: BP4, BS1

Labcorp Genetics (formerly Invitae), Labcorp
Classification: Benign for Regional enteritis; Blau syndrome. Last evaluated: 2026-02-01. Review status: criteria provided, single submitter. Criteria: Invitae Variant Classification Sherloc (09022015). Collection method: clinical testing. Allele origin: germline.

Mayo Clinic Laboratories, Mayo Clinic
Classification: Likely benign. Last evaluated: 2025-03-31. Review status: criteria provided, single submitter. Criteria: ACMG Guidelines, 2015. Collection method: clinical testing. Allele origin: germline. Observed: 12 variant alleles.
Comment: BS1, BS2, BP4, BP7

ARUP Laboratories, Molecular Genetics and Genomics, ARUP Laboratories
Classification: Likely benign. Last evaluated: 2024-12-23. Review status: criteria provided, single submitter. Criteria: ARUP Molecular Germline Variant Investigation Process 2024. Collection method: clinical testing. Allele origin: germline.

Blueprint Genetics
Classification: Likely benign. Last evaluated: 2024-11-25. Review status: criteria provided, single submitter. Criteria: ACMG Guidelines, 2015. Collection method: clinical testing. Allele origin: germline.

Genome Diagnostics Laboratory, The Hospital for Sick Children
Classification: Benign for Autoinflammatory syndrome. Last evaluated: 2022-02-18. Review status: criteria provided, single submitter. Criteria: ACMG Guidelines, 2015. Collection method: clinical testing. Allele origin: germline. Affected: yes.

Illumina Laboratory Services, Illumina
Classification: Likely benign for Blau syndrome. Last evaluated: 2017-04-27. Review status: criteria provided, single submitter. Criteria: ICSL Variant Classification Criteria 13 December 2019. Collection method: clinical testing. Allele origin: germline.
Comment: This variant was observed as part of a predisposition screen in an ostensibly healthy population. A literature search was performed for the gene, cDNA change, and amino acid change (where applicable). No publications were found based on this search. Allele frequency data from public databases allowed determination this variant is unlikely to cause disease. Therefore, this variant is classified as likely benign.

Illumina Laboratory Services, Illumina
Classification: Likely benign for Inflammatory bowel disease 1. Last evaluated: 2017-04-27. Review status: criteria provided, single submitter. Criteria: ICSL Variant Classification Criteria 13 December 2019. Collection method: clinical testing. Allele origin: germline.
Comment: This variant was observed as part of a predisposition screen in an ostensibly healthy population. A literature search was performed for the gene, cDNA change, and amino acid change (where applicable). Publications were found based on this search. The evidence from the literature, in combination with allele frequency data from public databases where available, was sufficient to determine this variant is unlikely to cause disease. Therefore, this variant is classified as likely benign.

Genomic Diagnostic Laboratory, Division of Genomic Diagnostics, Children's Hospital of Philadelphia
Classification: Uncertain significance. Last evaluated: 2015-04-17. Review status: criteria provided, single submitter. Criteria: DGD Variant Analysis Guidelines. Collection method: clinical testing. Allele origin: unknown.

Dr. Peter K. Rogan Lab, Western University
No classification provided (evidence only). Condition: Ovarian serous cystadenocarcinoma. Review status: no classification provided. Collection method: in vitro. Allele origin: not applicable. Functional consequence: retained intron. Not counted in ClinVar's aggregate classification.

Unité médicale des maladies autoinflammatoires, CHRU Montpellier
No classification provided. Condition: Sarcoidosis, early-onset. Review status: no classification provided. Collection method: not provided. Allele origin: unknown. Not counted in ClinVar's aggregate classification.
Comment: also involved in OMIM 186580 and 266600

Literature cited by the submitters: PubMed 16278823 (cited by Mayo Clinic Laboratories, Mayo Clinic and Illumina Laboratory Services, Illumina); PubMed 29248579 (cited by Mayo Clinic Laboratories, Mayo Clinic); PubMed 29795570 (cited by Mayo Clinic Laboratories, Mayo Clinic).